The following is an entry in ClinVar:

ClinVar aggregate classification (germline): Pathogenic. Review status: criteria provided, multiple submitters, no conflicts (2 of 4 stars). 2 submissions from 2 submitters: Pathogenic (2). Last evaluated 2024-10-18.

Submissions (2):

Mayo Clinic Laboratories, Mayo Clinic
Classification: Pathogenic. Last evaluated: 2024-10-18. Review status: criteria provided, single submitter. Criteria: ACMG Guidelines, 2015. Collection method: clinical testing. Allele origin: germline. Observed: 1 variant allele.
Comment: PP4, PM2_supporting, PVS1

Labcorp Genetics (formerly Invitae), Labcorp
Classification: Pathogenic. Last evaluated: 2023-04-22. Review status: criteria provided, single submitter. Criteria: Invitae Variant Classification Sherloc (09022015). Collection method: clinical testing. Allele origin: germline.
Comment: For these reasons, this variant has been classified as Pathogenic. This premature translational stop signal has been observed in individual(s) with porphyria cutanea tarda (PMID: 17627795). This variant is not present in population databases (gnomAD no frequency). This sequence change creates a premature translational stop signal (p.Val33Phefs*36) in the UROD gene. It is expected to result in an absent or disrupted protein product. Loss-of-function variants in UROD are known to be pathogenic (PMID: 1634232, 17240319, 19233912, 19419417, 23545314).

Literature cited by the submitters: PubMed 17627795 (cited by Mayo Clinic Laboratories, Mayo Clinic and Labcorp Genetics (formerly Invitae), Labcorp); PubMed 1634232 (cited by Labcorp Genetics (formerly Invitae), Labcorp); PubMed 17240319 (cited by Labcorp Genetics (formerly Invitae), Labcorp); PubMed 19233912 (cited by Labcorp Genetics (formerly Invitae), Labcorp); PubMed 19419417 (cited by Labcorp Genetics (formerly Invitae), Labcorp); PubMed 23545314 (cited by Labcorp Genetics (formerly Invitae), Labcorp).

NM_000374.5(UROD):c.96del (p.Val33fs)

Gene: UROD (uroporphyrinogen decarboxylase; plus strand). Cytogenetic location: 1p34.1.
Variant type: Deletion.
Coding change: c.96del on transcript NM_000374.5 (MANE Select); coding-DNA position 96, one base deleted (C; older notation c.96delC).
Protein change: p.Val33fs; shifts the reading frame from valine 33.
Molecular consequence: frameshift variant. On other transcripts: non-coding transcript variant (3).
Genome position (GRCh38, 1-based): chr1:45,012,982, C deleted; the last of 3 consecutive C bases (chr1:45,012,980-45,012,982); deleting any one gives the same sequence. VCF-style (leftmost placement, unchanged base first): chr1-45012979-TC-T. GRCh37 (hg19) VCF-style: chr1-45478651-TC-T.
Other names: p.Val33Phefs*36; short protein forms V33fs.
Identifiers: ClinVar variation 2733886 (VCV002733886.4), dbSNP rs2522913310, ClinGen allele CA2586966620.
Genomic context (GRCh38, chr1:45,012,979, plus strand): 5'-TCCGGAGCTGAAGAATGACACATTCCTGCGAGCAGCCTGGGGAGAGGAAACAGACTACAC[TC>T]CCGTTTGGTGCATGCGCCAGGCAGGCCGTTACTTACCAGGTAAGAGTCAGGGTCTGGAAA-3'